The following is an entry in ClinVar:

NM_001715.3(BLK):c.258G>A (p.Gln86=)

Gene: BLK (BLK proto-oncogene, Src family tyrosine kinase). Cytogenetic location: 8p23.1.
Variant type: single nucleotide variant.
Coding change: c.258G>A on transcript NM_001715.3 (MANE Select); coding-DNA position 258, G replaced by A.
Protein change: p.Gln86=; no amino-acid change (glutamine 86 retained).
Molecular consequence: synonymous variant.
Genome position (GRCh38, 1-based): chr8:11,548,114, G>A. VCF-style: chr8-11548114-G-A. GRCh37 (hg19) VCF-style: chr8-11405623-G-A.
Other names: c.45G>A, p.Gln15= (NM_001330465.2).
Identifiers: ClinVar variation 128526 (VCV000128526.22), dbSNP rs56185487, ClinGen allele CA152039.

ClinVar aggregate classification (germline): Benign. Review status: criteria provided, multiple submitters, no conflicts (2 of 4 stars). 8 submissions from 8 submitters: Benign (7). 1 of the submissions does not count toward it. Last evaluated 2026-01-27.

Conditions:
Systemic lupus erythematosus (SLE). Identifiers: Orphanet 536, MedGen C0024141, MONDO:0007915, OMIM 152700, HP:0002725.
Maturity-onset diabetes of the young type 11. Identifiers: Orphanet 552, MedGen C3150618, MONDO:0013242, OMIM 613375.

Allele frequency attached by ClinVar (database versions not stated): 1000 Genomes Project 30x 0.02061; ESP Exome Variant Server 0.02091; TOPMed 0.02123; gnomAD exomes 0.00345 and 0.00616; ExAC 0.00741; gnomAD 0.01903 and 0.02041; 1000 Genomes Project 0.01917.
gnomAD v4.1: 8,005 of 1,613,184 alleles (0.5%); highest among the groups gnomAD compares: African/African-American, 6.2%; 165 homozygotes.

Submissions (8):

Labcorp Genetics (formerly Invitae), Labcorp
Classification: Benign. Last evaluated: 2026-01-27. Review status: criteria provided, single submitter. Criteria: Invitae Variant Classification Sherloc (09022015). Collection method: clinical testing. Allele origin: germline.

ARUP Laboratories, Molecular Genetics and Genomics, ARUP Laboratories
Classification: Benign for Maturity-onset diabetes of the young type 11. Last evaluated: 2023-08-24. Review status: criteria provided, single submitter. Criteria: ARUP Molecular Germline Variant Investigation Process 2024. Collection method: clinical testing. Allele origin: germline.

GeneDx
Classification: Benign. Last evaluated: 2018-08-17. Review status: criteria provided, single submitter. Criteria: GeneDx Variant Classification Process June 2021. Collection method: clinical testing. Allele origin: germline. Affected: yes.

Illumina Laboratory Services, Illumina
Classification: Benign for Maturity-onset diabetes of the young type 11. Last evaluated: 2018-01-12. Review status: criteria provided, single submitter. Criteria: ICSL Variant Classification Criteria 13 December 2019. Collection method: clinical testing. Allele origin: germline.
Comment: This variant was observed in the ICSL laboratory as part of a predisposition screen in an ostensibly healthy population. It had not been previously curated by ICSL or reported in the Human Gene Mutation Database (HGMD: prior to June 1st, 2018), and was therefore a candidate for classification through an automated scoring system. Utilizing variant allele frequency, disease prevalence and penetrance estimates, and inheritance mode, an automated score was calculated to assess if this variant is too frequent to cause the disease. Based on the score and internal cut-off values, a variant classified as benign is not then subjected to further curation. The score for this variant resulted in a classification of benign for this disease.

Breakthrough Genomics
Classification: Benign. Review status: criteria provided, single submitter. Criteria: ACMG Guidelines, 2015. Collection method: not provided. Allele origin: germline. Inheritance: Autosomal dominant inheritance. Affected: yes.

Clinical Genomics, Uppaluri K&H Personalized Medicine Clinic
Classification: Benign for Systemic lupus erythematosus. Review status: criteria provided, single submitter. Criteria: K & H Uppaluri Personalized Medicine Clinic Variant Classification & Assertion Criteria_Updated V.1. Collection method: research. Allele origin: unknown.
Comment: BLK gene is associated with Systemic lupus erythematosus, sjogren's syndrome and other systemic inflammatory conditions. However no sufficient evidence is found to ascertain the role of this particular variant rs56185487, yet.

PreventionGenetics, part of Exact Sciences
Classification: Benign. Review status: criteria provided, single submitter. Criteria: ACMG Guidelines, 2015. Collection method: clinical testing. Allele origin: germline.

Genetic Services Laboratory, University of Chicago
Classification: Likely benign for AllHighlyPenetrant. Review status: no assertion criteria provided. Collection method: clinical testing. Allele origin: germline. Inheritance: Autosomal dominant inheritance. Not counted in ClinVar's aggregate classification.
Comment: Likely benign based on allele frequency in 1000 Genomes Project or ESP global frequency and its presence in a patient with a rare or unrelated disease phenotype. NOT Sanger confirmed.

Literature cited by the submitters: PubMed 32313195 (cited by Clinical Genomics, Uppaluri K&H Personalized Medicine Clinic); PubMed 19667185 (cited by Clinical Genomics, Uppaluri K&H Personalized Medicine Clinic); PubMed 18204098 (cited by Clinical Genomics, Uppaluri K&H Personalized Medicine Clinic); PubMed 24023612 (cited by Clinical Genomics, Uppaluri K&H Personalized Medicine Clinic); PubMed 31670388 (cited by Clinical Genomics, Uppaluri K&H Personalized Medicine Clinic).